The following is an entry in ClinVar:

ClinVar aggregate classification (germline): Uncertain significance (1 of 4 stars; one submission).

Submission:

GeneDx
Classification: Uncertain significance. Last evaluated: 2022-04-15. Review status: criteria provided, single submitter. Criteria: GeneDx Variant Classification Process June 2021. Collection method: clinical testing. Allele origin: germline. Affected: yes.
Comment: Not observed at significant frequency in large population cohorts (gnomAD); In silico analysis supports that this missense variant does not alter protein structure/function; Has not been previously published as pathogenic or benign to our knowledge; Variants in candidate genes are classified as variants of uncertain significance in accordance with ACMG guidelines (Richards et al., 2015)

NM_015030.2(FRYL):c.6018A>G (p.Ile2006Met)

Gene: FRYL (FRY like transcription coactivator; minus strand). Cytogenetic location: 4p11.
Variant type: single nucleotide variant.
Coding change: c.6018A>G on transcript NM_015030.2 (MANE Select); coding-DNA position 6018, A replaced by G.
Protein change: p.Ile2006Met; replaces isoleucine 2006 with methionine.
Molecular consequence: missense variant.
Genome position (GRCh38, 1-based): chr4:48,540,630, T>C on the plus strand (A>G on the coding strand, the complement: FRYL is on the minus strand). VCF-style: chr4-48540630-T-C. GRCh37 (hg19) VCF-style: chr4-48542647-T-C.
Other names: short protein forms I2006M.
Identifiers: ClinVar variation 3342495 (VCV003342495.1).